The following is an entry in ClinVar:

NM_001365999.1(SZT2):c.2468C>T (p.Thr823Ile)

Gene: SZT2 (SZT2 subunit of KICSTOR complex; plus strand). Cytogenetic location: 1p34.2.
Variant type: single nucleotide variant.
Coding change: c.2468C>T on transcript NM_001365999.1 (MANE Select); coding-DNA position 2468, C replaced by T.
Protein change: p.Thr823Ile; replaces threonine 823 with isoleucine.
Molecular consequence: missense variant.
Genome position (GRCh38, 1-based): chr1:43,424,429, C>T. VCF-style: chr1-43424429-C-T. GRCh37 (hg19) VCF-style: chr1-43890100-C-T.
Other names: c.2468C>T, p.Thr823Ile (NM_015284.4); short protein forms T823I.
Identifiers: ClinVar variation 806120 (VCV000806120.46), dbSNP rs766349361, ClinGen allele CA808688.

ClinVar aggregate classification (germline): Uncertain significance. Review status: criteria provided, multiple submitters, no conflicts (2 of 4 stars). 3 submissions from 3 submitters: Uncertain significance (3). Last evaluated 2023-10-03.

Conditions:
Developmental and epileptic encephalopathy, 18 (DEE18). Also called: Early infantile epileptic encephalopathy 18. Identifiers: Orphanet 369894, MedGen C3809624, MONDO:0014201, OMIM 615476.

Allele frequency attached by ClinVar (database versions not stated): gnomAD exomes below 0.00001 and 0.00001; ExAC 0.00001; gnomAD 0.00001; TOPMed 0.00001.
gnomAD v4.1: 7 of 1,597,278 alleles (0.00044%); highest among the groups gnomAD compares: Middle Eastern, 0.035%; 1 homozygote.

Submissions (3):

Labcorp Genetics (formerly Invitae), Labcorp
Classification: Uncertain significance. Last evaluated: 2023-10-03. Review status: criteria provided, single submitter. Criteria: Invitae Variant Classification Sherloc (09022015). Collection method: clinical testing. Allele origin: germline.
Comment: This sequence change replaces threonine, which is neutral and polar, with isoleucine, which is neutral and non-polar, at codon 823 of the SZT2 protein (p.Thr823Ile). This variant is present in population databases (rs766349361, gnomAD 0.003%), including at least one homozygous and/or hemizygous individual. This variant has not been reported in the literature in individuals affected with SZT2-related conditions. ClinVar contains an entry for this variant (Variation ID: 806120). Advanced modeling of protein sequence and biophysical properties (such as structural, functional, and spatial information, amino acid conservation, physicochemical variation, residue mobility, and thermodynamic stability) performed at Invitae indicates that this missense variant is not expected to disrupt SZT2 protein function. In summary, the available evidence is currently insufficient to determine the role of this variant in disease. Therefore, it has been classified as a Variant of Uncertain Significance.

Genome-Nilou Lab
Classification: Uncertain significance for Developmental and epileptic encephalopathy, 18. Last evaluated: 2023-04-11. Review status: criteria provided, single submitter. Criteria: ACMG Guidelines, 2015. Collection method: clinical testing. Allele origin: germline. Affected: no.

CeGaT Center for Human Genetics Tuebingen
Classification: Uncertain significance. Last evaluated: 2018-11-01. Review status: criteria provided, single submitter. Criteria: CeGaT Center For Human Genetics Tuebingen Variant Classification Criteria Version 2. Collection method: clinical testing. Allele origin: germline. Affected: yes. Observed: 1 variant allele.